The following is an entry in ClinVar:

ClinVar aggregate classification (germline): Pathogenic (1 of 4 stars; one submission).

Submission:

Labcorp Genetics (formerly Invitae), Labcorp
Classification: Pathogenic. Last evaluated: 2022-08-09. Review status: criteria provided, single submitter. Criteria: Invitae Variant Classification Sherloc (09022015). Collection method: clinical testing. Allele origin: germline.
Comment: This sequence change creates a premature translational stop signal (p.Gln69*) in the NFIA gene. It is expected to result in an absent or disrupted protein product. Loss-of-function variants in NFIA are known to be pathogenic (PMID: 27081522, 31730271). ClinVar contains an entry for this variant (Variation ID: 1453616). For these reasons, this variant has been classified as Pathogenic. This variant is not present in population databases (gnomAD no frequency). This premature translational stop signal has been observed in individual(s) with NFIA-related conditions (PMID: 28941020).

Literature cited by the submitters: PubMed 27081522; PubMed 31730271; PubMed 28941020.

NM_001134673.4(NFIA):c.205C>T (p.Gln69Ter)

Gene: NFIA (nuclear factor I A; plus strand). Cytogenetic location: 1p31.3.
Variant type: single nucleotide variant.
Coding change: c.205C>T on transcript NM_001134673.4 (MANE Select); coding-DNA position 205, C replaced by T.
Protein change: p.Gln69Ter; replaces glutamine 69 with a stop codon.
Molecular consequence: nonsense.
Genome position (GRCh38, 1-based): chr1:61,088,326, C>T. VCF-style: chr1-61088326-C-T. GRCh37 (hg19) VCF-style: chr1-61553998-C-T.
Other names: c.181C>T, p.Gln61Ter (NM_001145511.2); c.340C>T, p.Gln114Ter (NM_001145512.2); c.205C>T, p.Gln69Ter (NM_005595.5); short protein forms Q61*, Q69*, Q114*.
Identifiers: ClinVar variation 1453616 (VCV001453616.6), dbSNP rs2100414291, ClinGen allele CA340586526.
Genomic context (GRCh38, chr1:61,088,326, plus strand): 5'-TCAAAAGAAGAAGAGAGAGCCGTGAAGGATGAATTGCTAAGTGAAAAACCAGAGGTCAAG[C>T]AGAAGTGGGCATCTCGACTTCTGGCAAAGTTGCGGAAAGATATCCGACCCGAATATCGAG-3'